The following is an entry in ClinVar:

ClinVar aggregate classification (germline): Uncertain significance (1 of 4 stars; one submission).

Conditions:
MCCC2-related disorder. Also called: MCCC2-related condition.

Allele frequency attached by ClinVar (database versions not stated): gnomAD exomes below 0.00001; ExAC 0.00002.
gnomAD v4.1: 5 of 1,614,032 alleles (0.00031%); highest among the groups gnomAD compares: South Asian, 0.0055%; no homozygotes.

Submission:

PreventionGenetics, part of Exact Sciences
Classification: Uncertain significance for MCCC2-related condition. Last evaluated: 2022-10-26. Review status: criteria provided, single submitter. Criteria: ACMG Guidelines, 2015. Collection method: clinical testing. Allele origin: germline.
Comment: The MCCC2 c.796C>T variant is predicted to result in the amino acid substitution p.His266Tyr. To our knowledge, this variant has not been reported in the literature. This variant is reported in 0.0098% of alleles in individuals of South Asian descent in gnomAD. At this time, the clinical significance of this variant is uncertain due to the absence of conclusive functional and genetic evidence.

NM_022132.5(MCCC2):c.796C>T (p.His266Tyr)

Gene: MCCC2 (methylcrotonyl-CoA carboxylase subunit 2; plus strand). Cytogenetic location: 5q13.2.
Variant type: single nucleotide variant.
Coding change: c.796C>T on transcript NM_022132.5 (MANE Select); coding-DNA position 796, C replaced by T.
Protein change: p.His266Tyr; replaces histidine 266 with tyrosine.
Molecular consequence: missense variant.
Genome position (GRCh38, 1-based): chr5:71,632,178, C>T. VCF-style: chr5-71632178-C-T. GRCh37 (hg19) VCF-style: chr5-70928005-C-T.
Other names: c.682C>T, p.His228Tyr (NM_001363147.1); short protein forms H228Y, H266Y.
Identifiers: ClinVar variation 2635121 (VCV002635121.1), dbSNP rs750038581, ClinGen allele CA3297886.
Genomic context (GRCh38, chr5:71,632,178, plus strand): 5'-TAGGTTAAAGCGGCAACTGGGGAAGAAGTATCTGCTGAGGATCTTGGAGGTGCTGATCTT[C>T]ATTGCAGGTGAAACAGAAATGGTTGTTTCTTTCCGGGATTGAGTGTCATTTTGTTTGTTT-3'
Protein context (NP_071415.1, residues 256-276): SAEDLGGADL[His266Tyr]CRKSGVSDHW